The following is an entry in ClinVar:

NM_170682.4(P2RX2):c.1101G>C (p.Met367Ile)

Gene: P2RX2 (purinergic receptor P2X 2; plus strand). Cytogenetic location: 12q24.33.
Variant type: single nucleotide variant.
Coding change: c.1101G>C on transcript NM_170682.4 (MANE Select); coding-DNA position 1101, G replaced by C.
Protein change: p.Met367Ile; replaces methionine 367 with isoleucine.
Molecular consequence: missense variant. On other transcripts: 3 prime UTR variant (1).
Genome position (GRCh38, 1-based): chr12:132,621,657, G>C. VCF-style: chr12-132621657-G-C. GRCh37 (hg19) VCF-style: chr12-133198243-G-C.
Other names: c.999G>C, p.Met333Ile (NM_001282164.2); c.*148G>C (NM_001282165.2); c.885G>C, p.Met295Ile (NM_012226.5); c.1029G>C, p.Met343Ile (NM_016318.4); c.1179G>C, p.Met393Ile (NM_170683.4); c.825G>C, p.Met275Ile (NM_174872.3); c.1101G>C, p.Met367Ile (NM_174873.3); short protein forms M275I, M295I, M333I, M343I, M367I, M393I.
Identifiers: ClinVar variation 4082665 (VCV004082665.1).
Genomic context (GRCh38, chr12:132,621,657, plus strand): 5'-CACCGGTCTCTGCTGGCCCCAGGGCTCCTTCCTGTGCGACTGGATCTTGCTAACATTCAT[G>C]AACAAAAACAAGGTCTACAGCCATAAGAAATTTGACAAGGTGTGTACGCCGAGCCACCCC-3'
Protein context (NP_733782.1, residues 357-377): FLCDWILLTF[Met367Ile]NKNKVYSHKK

ClinVar aggregate classification (germline): Uncertain significance (1 of 4 stars; one submission).

gnomAD v4.1: 24 of 1,613,666 alleles (0.0015%); highest among the groups gnomAD compares: Non-Finnish European, 0.0019%; no homozygotes.

Submission:

GeneDx
Classification: Uncertain significance. Last evaluated: 2025-03-04. Review status: criteria provided, single submitter. Criteria: GeneDx Variant Classification Process June 2021. Collection method: clinical testing. Allele origin: germline. Affected: yes.
Comment: Not observed at significant frequency in large population cohorts (gnomAD); In silico analysis indicates that this missense variant does not alter protein structure/function; Has not been previously published as pathogenic or benign to our knowledge